The following is an entry in ClinVar:

NM_001364905.1(LRBA):c.2637G>A (p.Lys879=)

Gene: LRBA (LPS responsive beige-like anchor protein; minus strand). Cytogenetic location: 4q31.3.
Variant type: single nucleotide variant.
Coding change: c.2637G>A on transcript NM_001364905.1 (MANE Select); coding-DNA position 2637, G replaced by A.
Protein change: p.Lys879=; no amino-acid change (lysine 879 retained).
Molecular consequence: synonymous variant.
Genome position (GRCh38, 1-based): chr4:150,867,800, C>T on the plus strand (G>A on the coding strand, the complement: LRBA is on the minus strand). VCF-style: chr4-150867800-C-T. GRCh37 (hg19) VCF-style: chr4-151788952-C-T.
Other names: c.2637G>A, p.Lys879= (NM_001199282.3, NM_001367550.1, NM_006726.5).
Identifiers: ClinVar variation 594578 (VCV000594578.50), dbSNP rs138956153, ClinGen allele CA3103180.

ClinVar aggregate classification (germline): Conflicting classifications of pathogenicity. Review status: criteria provided, conflicting classifications (1 of 4 stars). 7 submissions from 7 submitters: Uncertain significance (2); Benign (2); Likely benign (2). 1 of the submissions does not count toward it. Last evaluated 2026-06-01.

Conditions:
LRBA-related disorder. Also called: LRBA-related condition.
Combined immunodeficiency due to LRBA deficiency. Also called: Common variable immunodeficiency 8, with autoimmunity. Identifiers: Orphanet 445018, MedGen C3553512, MONDO:0013863, OMIM 614700.

Allele frequency attached by ClinVar (database versions not stated): ESP Exome Variant Server 0.00115; gnomAD 0.00146 and 0.00170; ExAC 0.00153; 1000 Genomes Project 30x 0.00156; 1000 Genomes Project 0.00160; gnomAD exomes 0.00176 and 0.00192; TOPMed 0.00208.
gnomAD v4.1: 3,093 of 1,613,594 alleles (0.19%); highest among the groups gnomAD compares: Admixed American, 0.36%; 12 homozygotes.

Submissions (7):

CeGaT Center for Human Genetics Tuebingen
Classification: Likely benign. Last evaluated: 2026-06-01. Review status: criteria provided, single submitter. Criteria: CeGaT Center For Human Genetics Tuebingen Variant Classification Criteria Version 2. Collection method: clinical testing. Allele origin: germline. Affected: yes. Observed: 9 variant alleles.
Comment: LRBA: BP4, BS2

Labcorp Genetics (formerly Invitae), Labcorp
Classification: Benign for Combined immunodeficiency due to LRBA deficiency. Last evaluated: 2026-01-29. Review status: criteria provided, single submitter. Criteria: Invitae Variant Classification Sherloc (09022015). Collection method: clinical testing. Allele origin: germline.

Women's Health and Genetics/Laboratory Corporation of America, LabCorp
Classification: Benign. Last evaluated: 2026-01-23. Review status: criteria provided, single submitter. Criteria: LabCorp Variant Classification Summary - May 2015. Collection method: clinical testing. Allele origin: germline.

Blueprint Genetics
Classification: Likely benign. Last evaluated: 2024-11-04. Review status: criteria provided, single submitter. Criteria: ACMG Guidelines, 2015. Collection method: clinical testing. Allele origin: germline.

Genetic Services Laboratory, University of Chicago
Classification: Uncertain significance. Last evaluated: 2020-08-07. Review status: criteria provided, single submitter. Criteria: ACMG Guidelines, 2015. Collection method: clinical testing. Allele origin: germline. Affected: no.
Comment: DNA sequence analysis of the LRBA gene demonstrated a sequence change, c.2637G>A, in exon 22 which does not result in an amino acid change, p.Lys879Lys. This sequence change does not appear to have been previously described in patients with LRBA-related disorders and has been described in the gnomAD database with a frequency 0.32% in the Latino sub-population (dbSNP rs138956153). The p.Lys879Lys change affects a weakly conserved nucleotide located in a domain of the LRBA protein that is known to be functional. This sequence change is predicted to have a deleterious effect on splicing based on in silico splice prediction programs. As the c.2637G>A sequence change does not result in a change in the LRBA amino acid sequence, it is possible that this change is non-pathogenic and represents a benign sequence variant of the LRBA gene, however functional studies have not been performed to prove this conclusively. The functional significance of this sequence change is not known at present and its contribution to a disease phenotype cannot definitively be determined.

Eurofins Ntd Llc (ga)
Classification: Uncertain significance. Last evaluated: 2017-11-06. Review status: criteria provided, single submitter. Criteria: EGL Classification Definitions 2015. Collection method: clinical testing. Allele origin: germline. Observed: 1 variant allele, 1 heterozygote.

PreventionGenetics, part of Exact Sciences
Classification: Likely benign for LRBA-related condition. Last evaluated: 2023-11-07. Review status: no assertion criteria provided. Collection method: clinical testing. Allele origin: germline. Not counted in ClinVar's aggregate classification.
Comment: This variant is classified as likely benign based on ACMG/AMP sequence variant interpretation guidelines (Richards et al. 2015 PMID: 25741868, with internal and published modifications).